The following is an entry in ClinVar:

NM_001330260.2(SCN8A):c.1960G>T (p.Gly654Cys)

Gene: SCN8A (sodium voltage-gated channel alpha subunit 8; plus strand). Cytogenetic location: 12q13.13.
Variant type: single nucleotide variant.
Coding change: c.1960G>T on transcript NM_001330260.2 (MANE Select); coding-DNA position 1960, G replaced by T.
Protein change: p.Gly654Cys; replaces glycine 654 with cysteine.
Molecular consequence: missense variant.
Genome position (GRCh38, 1-based): chr12:51,721,870, G>T. VCF-style: chr12-51721870-G-T. GRCh37 (hg19) VCF-style: chr12-52115654-G-T.
Other names: c.1960G>T, p.Gly654Cys (NM_001177984.3, NM_001369788.1, NM_014191.4); short protein forms G654C.
Identifiers: ClinVar variation 4536424 (VCV004536424.1).

ClinVar aggregate classification (germline): Uncertain significance (1 of 4 stars; one submission).

Submission:

GeneDx
Classification: Uncertain significance. Last evaluated: 2025-06-02. Review status: criteria provided, single submitter. Criteria: GeneDx Variant Classification Process June 2021. Collection method: clinical testing. Allele origin: germline. Affected: yes.
Comment: Not observed at significant frequency in large population cohorts (gnomAD); In silico analysis supports that this missense variant has a deleterious effect on protein structure/function; Has not been previously published as pathogenic or benign to our knowledge; This substitution is predicted to be within the cytoplasmic loop between the first and second homologous domains